The following is an entry in ClinVar:

NM_002241.5(KCNJ10):c.622C>T (p.Leu208Phe)

Gene: KCNJ10 (potassium inwardly rectifying channel subfamily J member 10; minus strand). Cytogenetic location: 1q23.2.
Variant type: single nucleotide variant.
Coding change: c.622C>T on transcript NM_002241.5 (MANE Select); coding-DNA position 622, C replaced by T.
Protein change: p.Leu208Phe; replaces leucine 208 with phenylalanine.
Molecular consequence: missense variant.
Genome position (GRCh38, 1-based): chr1:160,041,911, G>A on the plus strand (C>T on the coding strand, the complement: KCNJ10 is on the minus strand). VCF-style: chr1-160041911-G-A. GRCh37 (hg19) VCF-style: chr1-160011701-G-A.
Other names: short protein forms L208F.
Identifiers: ClinVar variation 1039986 (VCV001039986.9), dbSNP rs1389684432, ClinGen allele CA343226219.

ClinVar aggregate classification (germline): Uncertain significance (1 of 4 stars; one submission).

Conditions:
EAST syndrome (SESAMES). Also called: SEIZURES, SENSORINEURAL DEAFNESS, ATAXIA, IMPAIRED INTELLECTUAL DEVELOPMENT, AND ELECTROLYTE IMBALANCE. Identifiers: Orphanet 199343, MedGen C2748572, MONDO:0013005, OMIM 612780.

Submission:

Labcorp Genetics (formerly Invitae), Labcorp
Classification: Uncertain significance for EAST syndrome. Last evaluated: 2022-03-26. Review status: criteria provided, single submitter. Criteria: Invitae Variant Classification Sherloc (09022015). Collection method: clinical testing. Allele origin: germline.
Comment: This variant has not been reported in the literature in individuals affected with KCNJ10-related conditions. ClinVar contains an entry for this variant (Variation ID: 1039986). Algorithms developed to predict the effect of missense changes on protein structure and function are either unavailable or do not agree on the potential impact of this missense change (SIFT: "Tolerated"; PolyPhen-2: "Probably Damaging"; Align-GVGD: "Class C0"). In summary, the available evidence is currently insufficient to determine the role of this variant in disease. Therefore, it has been classified as a Variant of Uncertain Significance. This variant is not present in population databases (gnomAD no frequency). This sequence change replaces leucine, which is neutral and non-polar, with phenylalanine, which is neutral and non-polar, at codon 208 of the KCNJ10 protein (p.Leu208Phe).